The following is an entry in ClinVar:

ClinVar aggregate classification (germline): Uncertain significance. Review status: criteria provided, multiple submitters, no conflicts (2 of 4 stars). 2 submissions from 2 submitters: Uncertain significance (2). Last evaluated 2022-10-05.

Conditions:
Fanconi anemia (FA). Also called: Fanconi's anemia. Identifiers: Orphanet 84, MedGen C0015625, MeSH D005199, MONDO:0019391.
Fanconi anemia complementation group I (FANCI). Also called: FANCI-Related Fanconi Anemia. Identifiers: Orphanet 84, MedGen C1836861, MONDO:0012186, OMIM 609053.

Allele frequency attached by ClinVar (database versions not stated): gnomAD below 0.00001 and 0.00001; ExAC 0.00001.
gnomAD v4.1: 37 of 1,613,574 alleles (0.0023%); highest among the groups gnomAD compares: South Asian, 0.011%; no homozygotes.

Submissions (2):

Labcorp Genetics (formerly Invitae), Labcorp
Classification: Uncertain significance for Fanconi anemia. Last evaluated: 2022-10-05. Review status: criteria provided, single submitter. Criteria: Invitae Variant Classification Sherloc (09022015). Collection method: clinical testing. Allele origin: germline.
Comment: This sequence change replaces isoleucine, which is neutral and non-polar, with valine, which is neutral and non-polar, at codon 760 of the FANCI protein (p.Ile760Val). This variant is present in population databases (rs780410177, gnomAD 0.01%). This variant has not been reported in the literature in individuals affected with FANCI-related conditions. ClinVar contains an entry for this variant (Variation ID: 238315). Advanced modeling of protein sequence and biophysical properties (such as structural, functional, and spatial information, amino acid conservation, physicochemical variation, residue mobility, and thermodynamic stability) performed at Invitae indicates that this missense variant is not expected to disrupt FANCI protein function. Algorithms developed to predict the effect of sequence changes on RNA splicing suggest that this variant may create or strengthen a splice site. In summary, the available evidence is currently insufficient to determine the role of this variant in disease. Therefore, it has been classified as a Variant of Uncertain Significance.

Fulgent Genetics
Classification: Uncertain significance for Fanconi anemia complementation group I. Last evaluated: 2022-01-12. Review status: criteria provided, single submitter. Criteria: ACMG Guidelines, 2015. Collection method: clinical testing. Allele origin: unknown.

NM_001113378.2(FANCI):c.2278A>G (p.Ile760Val)

Gene: FANCI (FA complementation group I; plus strand). Cytogenetic location: 15q26.1.
Variant type: single nucleotide variant.
Coding change: c.2278A>G on transcript NM_001113378.2 (MANE Select); coding-DNA position 2278, A replaced by G.
Protein change: p.Ile760Val; replaces isoleucine 760 with valine.
Molecular consequence: missense variant.
Genome position (GRCh38, 1-based): chr15:89,293,050, A>G. VCF-style: chr15-89293050-A-G. GRCh37 (hg19) VCF-style: chr15-89836281-A-G.
Other names: c.1999A>G, p.Ile667Val (NM_001376910.1); c.2278A>G, p.Ile760Val (NM_001376911.1, NM_018193.3); short protein forms I760V, I667V.
Identifiers: ClinVar variation 238315 (VCV000238315.9), dbSNP rs780410177, ClinGen allele CA7723330.